The following is an entry in ClinVar:

NM_000548.5(TSC2):c.2086_2089delinsCG (p.Cys696fs)

Gene: TSC2 (TSC complex subunit 2; plus strand). Cytogenetic location: 16p13.3.
Variant type: Indel.
Coding change: c.2086_2089delinsCG on transcript NM_000548.5 (MANE Select); coding-DNA positions 2086 to 2089, TGCT replaced by CG.
Protein change: p.Cys696fs; shifts the reading frame from cysteine 696.
Molecular consequence: frameshift variant.
Genome position (GRCh38, 1-based): chr16:2,071,923-2,071,926, TGCT replaced by CG. VCF-style: chr16-2071923-TGCT-CG. GRCh37 (hg19) VCF-style: chr16-2121924-TGCT-CG.
Other names: c.1939_1942delinsCG, p.Cys647fs (NM_001318829.2); c.1486_1489delinsCG, p.Cys496fs (NM_001318831.2); c.2119_2122delinsCG, p.Cys707fs (NM_001318832.2); c.2086_2089delinsCG, p.Cys696fs (NM_001363528.2, NM_001370404.1, NM_001370405.1 and 3 more transcripts); c.1975_1978delinsCG, p.Cys659fs (NM_001318827.2); short protein forms C647fs, C659fs, C696fs, C496fs, C707fs.
Identifiers: ClinVar variation 467922 (VCV000467922.1), dbSNP rs1555506201, ClinGen allele CA658658371.

ClinVar aggregate classification (germline): Pathogenic (1 of 4 stars; one submission).

Conditions:
Tuberous sclerosis 2 (TSC2). Identifiers: Orphanet 805, MedGen C1860707, MONDO:0013199, OMIM 613254.

Submission:

Labcorp Genetics (formerly Invitae), Labcorp
Classification: Pathogenic for Tuberous sclerosis 2. Last evaluated: 2017-06-30. Review status: criteria provided, single submitter. Criteria: Invitae Variant Classification Sherloc (09022015). Collection method: clinical testing. Allele origin: germline.
Comment: This sequence change creates a premature translational stop signal (p.Cys696Leufs*6) in the TSC2 gene. It is expected to result in an absent or disrupted protein product. This variant is not present in population databases (ExAC no frequency). This variant has not been reported in the literature in individuals with TSC2-related disease. Loss-of-function variants in TSC2 are known to be pathogenic (PMID: 10205261, 17304050). For these reasons, this variant has been classified as Pathogenic.